The following is an entry in ClinVar:

NM_004415.4(DSP):c.3046T>G (p.Phe1016Val)

Gene: DSP (desmoplakin; plus strand). Cytogenetic location: 6p24.3.
Variant type: single nucleotide variant.
Coding change: c.3046T>G on transcript NM_004415.4 (MANE Select); coding-DNA position 3046, T replaced by G.
Protein change: p.Phe1016Val; replaces phenylalanine 1016 with valine.
Molecular consequence: missense variant.
Genome position (GRCh38, 1-based): chr6:7,578,524, T>G. VCF-style: chr6-7578524-T-G. GRCh37 (hg19) VCF-style: chr6-7578757-T-G.
Other names: c.3046T>G, p.Phe1016Val (NM_001008844.3, NM_001319034.2); c.3046T>G (LRG_423t1); short protein forms F1016V.
Identifiers: ClinVar variation 571841 (VCV000571841.9), dbSNP rs1561696335, ClinGen allele CA362682714.

ClinVar aggregate classification (germline): Uncertain significance (1 of 4 stars; one submission).

Conditions:
Arrhythmogenic right ventricular dysplasia 8 (ARVD8). Also called: Arrhythmogenic Right Ventricular Dysplasia/Cardiomyopathy 8; ARRHYTHMOGENIC RIGHT VENTRICULAR DYSPLASIA, FAMILIAL, 8; ARRHYTHMOGENIC RIGHT VENTRICULAR CARDIOMYOPATHY 8. Identifiers: MedGen C1843896, MONDO:0011831, OMIM 607450.
Arrhythmogenic cardiomyopathy with wooly hair and keratoderma. Also called: Carvajal syndrome; Dilated cardiomyopathy with woolly hair and keratoderma; Arrhythmogenic cardiomyopathy with woolly hair and keratoderma; PALMOPLANTAR KERATODERMA WITH LEFT VENTRICULAR CARDIOMYOPATHY AND WOOLLY HAIR. Identifiers: Orphanet 65282, MedGen C1854063, MONDO:0011581, OMIM 605676.

Submission:

Labcorp Genetics (formerly Invitae), Labcorp
Classification: Uncertain significance for Arrhythmogenic cardiomyopathy with wooly hair and keratoderma; Arrhythmogenic right ventricular dysplasia 8. Last evaluated: 2018-01-02. Review status: criteria provided, single submitter. Criteria: Invitae Variant Classification Sherloc (09022015). Collection method: clinical testing. Allele origin: germline.
Comment: In summary, the available evidence is currently insufficient to determine the role of this variant in disease. Therefore, it has been classified as a Variant of Uncertain Significance. This sequence change replaces phenylalanine with valine at codon 1016 of the DSP protein (p.Phe1016Val). The phenylalanine residue is highly conserved and there is a small physicochemical difference between phenylalanine and valine. This variant is not present in population databases (ExAC no frequency). This variant has not been reported in the literature in individuals with DSP-related disease. Algorithms developed to predict the effect of missense changes on protein structure and function do not agree on the potential impact of this missense change (SIFT: "Deleterious"; PolyPhen-2: "Possibly Damaging"; Align-GVGD: "Class C0").